The following is an entry in ClinVar:

NM_004612.4(TGFBR1):c.80_97+14del

Gene: TGFBR1 (transforming growth factor beta receptor 1; plus strand). Cytogenetic location: 9q22.33.
Variant type: Deletion.
Coding change: c.80_97+14del on transcript NM_004612.4 (MANE Select); coding-DNA position 80 through 14 bases into the intron after coding-DNA position 97, 32 bases deleted.
Molecular consequence: splice donor variant. On other transcripts: intron variant (8).
Genome position (GRCh38, 1-based): chr9:99,105,285-99,105,316, 32 bases deleted; deleting any 32 consecutive bases within chr9:99,105,275-99,105,316 gives the same sequence; the c. name uses the placement nearest the transcript's 3' end. GRCh37 (hg19): chr9:101,867,567-101,867,598.
Other names: c.-111+1544_-111+1575del (NM_001407418.1, NM_001407423.1); c.-111+1179_-111+1210del (NM_001407424.1); c.-111+766_-111+797del (NM_001407425.1); c.-111+559_-111+590del (NM_001407434.1); c.-247+160_-247+191del (NM_001407432.1); c.-111+160_-111+191del (NM_001407419.1, NM_001407433.1); c.-233_-216+14del (NM_001407422.1, NM_001407426.1); c.-188_-171+14del (NM_001407428.1); and 2 more.
Identifiers: ClinVar variation 3806419 (VCV003806419.1).

ClinVar aggregate classification (germline): Likely pathogenic (1 of 4 stars; one submission).

Conditions:
Familial thoracic aortic aneurysm and aortic dissection (TAAD). Also called: Thoracic aortic aneurysms and dissections. Identifiers: Orphanet 91387, MedGen C4707243, MONDO:0019625.

Submission:

Ambry Genetics
Classification: Likely pathogenic for Familial thoracic aortic aneurysm and aortic dissection. Last evaluated: 2025-01-09. Review status: criteria provided, single submitter. Criteria: Ambry Variant Classification Scheme 2023. Collection method: clinical testing. Allele origin: germline.
Comment: The c.80_97+14del32 variant results from a deletion of 32 nucleotides between positions c.80 and c.97+14 and involves the canonical splice donor site after coding exon 1 of the TGFBR1 gene. The canonical splice donor site is well conserved in available vertebrate species. In silico splice site analysis predicts that this alteration will weaken the native splice donor site; however, the exact impact of this deletion on TGFBR1 splicing and function is currently unknown. Alterations that disrupt the canonical splice site are expected to cause aberrant splicing, resulting in an abnormal protein or a transcript that is subject to nonsense-mediated mRNA decay. Based on the supporting evidence, this variant is likely pathogenic for an increased risk of multiple self-healing squamous epithelioma (MSSE); however, the association of this variant with TGFBR1-related Loeys-Dietz syndrome is unknown.